The following is an entry in ClinVar:

NM_031935.3(HMCN1):c.10754G>C (p.Arg3585Pro)

Gene: HMCN1 (hemicentin 1; plus strand). Cytogenetic location: 1q31.1.
Variant type: single nucleotide variant.
Coding change: c.10754G>C on transcript NM_031935.3 (MANE Select); coding-DNA position 10754, G replaced by C.
Protein change: p.Arg3585Pro; replaces arginine 3585 with proline.
Molecular consequence: missense variant.
Genome position (GRCh38, 1-based): chr1:186,103,652, G>C. VCF-style: chr1-186103652-G-C. GRCh37 (hg19) VCF-style: chr1-186072784-G-C.
Other names: short protein forms R3585P.
Identifiers: ClinVar variation 2086576 (VCV002086576.4), dbSNP rs772387252, ClinGen allele CA343935598.

ClinVar aggregate classification (germline): Uncertain significance (1 of 4 stars; one submission).

Submission:

Labcorp Genetics (formerly Invitae), Labcorp
Classification: Uncertain significance. Last evaluated: 2022-01-16. Review status: criteria provided, single submitter. Criteria: Invitae Variant Classification Sherloc (09022015). Collection method: clinical testing. Allele origin: germline.
Comment: In summary, the available evidence is currently insufficient to determine the role of this variant in disease. Therefore, it has been classified as a Variant of Uncertain Significance. Algorithms developed to predict the effect of missense changes on protein structure and function (SIFT, PolyPhen-2, Align-GVGD) all suggest that this variant is likely to be disruptive. This variant has not been reported in the literature in individuals affected with HMCN1-related conditions. This variant is not present in population databases (gnomAD no frequency). This sequence change replaces arginine, which is basic and polar, with proline, which is neutral and non-polar, at codon 3585 of the HMCN1 protein (p.Arg3585Pro).